The following is an entry in ClinVar:

ClinVar aggregate classification (germline): Uncertain significance (1 of 4 stars; one submission).

gnomAD v4.1: 1 of 1,613,110 alleles (0.000062%); highest among the groups gnomAD compares: Admixed American, 0.0017%; no homozygotes.

Submission:

GeneDx
Classification: Uncertain significance. Last evaluated: 2024-09-26. Review status: criteria provided, single submitter. Criteria: GeneDx Variant Classification Process June 2021. Collection method: clinical testing. Allele origin: germline. Affected: yes.
Comment: Not observed at significant frequency in large population cohorts (gnomAD); In silico analysis supports that this missense variant has a deleterious effect on protein structure/function; Has not been previously published as pathogenic or benign to our knowledge

NM_001378609.3(OTOGL):c.2557A>T (p.Arg853Trp)

Gene: OTOGL (otogelin like; plus strand). Cytogenetic location: 12q21.31.
Variant type: single nucleotide variant.
Coding change: c.2557A>T on transcript NM_001378609.3 (MANE Select); coding-DNA position 2557, A replaced by T.
Protein change: p.Arg853Trp; replaces arginine 853 with tryptophan.
Molecular consequence: missense variant.
Genome position (GRCh38, 1-based): chr12:80,271,686, A>T. VCF-style: chr12-80271686-A-T. GRCh37 (hg19) VCF-style: chr12-80665466-A-T.
Other names: c.2557A>T, p.Arg853Trp (NM_001368062.3, NM_001378610.3, NM_173591.7); short protein forms R853W.
Identifiers: ClinVar variation 3774718 (VCV003774718.1).